The following is an entry in ClinVar:

NM_013352.4(DSE):c.1118+15G>A

Gene: DSE (dermatan sulfate epimerase; plus strand). Cytogenetic location: 6q22.1.
Variant type: single nucleotide variant.
Coding change: c.1118+15G>A on transcript NM_013352.4 (MANE Select); 15 bases into the intron after coding-DNA position 1118, G replaced by A.
Molecular consequence: intron variant.
Genome position (GRCh38, 1-based): chr6:116,433,565, G>A. VCF-style: chr6-116433565-G-A. GRCh37 (hg19) VCF-style: chr6-116754728-G-A.
Other names: c.1118+15G>A (NM_001322937.2, NM_001322938.2, NM_001080976.3); c.557+15G>A (NM_001322940.2, NM_001322941.2); c.1175+15G>A (NM_001322939.2); c.911-2022G>A (NM_001322944.2); c.671-2022G>A (NM_001322943.2).
Identifiers: ClinVar variation 517057 (VCV000517057.10), dbSNP rs116330739, ClinGen allele CA3969614.

ClinVar aggregate classification (germline): Benign. Review status: criteria provided, multiple submitters, no conflicts (2 of 4 stars). 3 submissions from 3 submitters: Benign (3). Last evaluated 2026-03-30.

Conditions:
Ehlers-Danlos syndrome, musculocontractural type 2 (EDSMC2). Identifiers: Orphanet 2953, MedGen C3809845, MONDO:0014236, OMIM 615539.

Allele frequency attached by ClinVar (database versions not stated): gnomAD exomes 0.00292 and 0.00118; ExAC 0.00734; ESP Exome Variant Server 0.01254; gnomAD 0.01289 and 0.01381; 1000 Genomes Project 0.01338; TOPMed 0.01410; 1000 Genomes Project 30x 0.01421.
gnomAD v4.1: 3,737 of 1,586,296 alleles (0.24%); highest among the groups gnomAD compares: African/African-American, 4.5%; 78 homozygotes.

Submissions (3):

Women's Health and Genetics/Laboratory Corporation of America, LabCorp
Classification: Benign. Last evaluated: 2026-03-30. Review status: criteria provided, single submitter. Criteria: LabCorp Variant Classification Summary - May 2015. Collection method: clinical testing. Allele origin: germline.

Labcorp Genetics (formerly Invitae), Labcorp
Classification: Benign for Ehlers-Danlos syndrome, musculocontractural type 2. Last evaluated: 2026-01-27. Review status: criteria provided, single submitter. Criteria: Invitae Variant Classification Sherloc (09022015). Collection method: clinical testing. Allele origin: germline.

GeneDx
Classification: Benign. Last evaluated: 2017-08-15. Review status: criteria provided, single submitter. Criteria: GeneDx Variant Classification (06012015). Collection method: clinical testing. Allele origin: germline. Affected: yes.
Comment: This variant is considered likely benign or benign based on one or more of the following criteria: it is a conservative change, it occurs at a poorly conserved position in the protein, it is predicted to be benign by multiple in silico algorithms, and/or has population frequency not consistent with disease.